The following is an entry in ClinVar:

ClinVar aggregate classification (germline): Pathogenic (1 of 4 stars; one submission).

Conditions:
Glycogen storage disease, type IV (GSD4). Also called: AMYLOPECTINOSIS; ANDERSEN DISEASE; BRANCHER DEFICIENCY; CIRRHOSIS, FAMILIAL, WITH DEPOSITION OF ABNORMAL GLYCOGEN; GBE1 DEFICIENCY; GLYCOGEN BRANCHING ENZYME DEFICIENCY. Identifiers: Orphanet 367, MedGen C0017923, MONDO:0009292, OMIM 232500.
Glycogen storage disease IV, classic hepatic. Also called: GSD IV, CLASSIC HEPATIC. Identifiers: MedGen C1856301.

Submission:

Labcorp Genetics (formerly Invitae), Labcorp
Classification: Pathogenic for Glycogen storage disease, type IV; Glycogen storage disease IV, classic hepatic. Last evaluated: 2022-11-23. Review status: criteria provided, single submitter. Criteria: Invitae Variant Classification Sherloc (09022015). Collection method: clinical testing. Allele origin: germline.
Comment: This sequence change creates a premature translational stop signal (p.Tyr216*) in the GBE1 gene. It is expected to result in an absent or disrupted protein product. Loss-of-function variants in GBE1 are known to be pathogenic (PMID: 15452297, 20058079). This variant is not present in population databases (gnomAD no frequency). For these reasons, this variant has been classified as Pathogenic. This variant has not been reported in the literature in individuals affected with GBE1-related conditions.

Literature cited by the submitters: PubMed 15452297; PubMed 20058079.

NM_000158.4(GBE1):c.648T>A (p.Tyr216Ter)

Gene: GBE1 (1,4-alpha-glucan branching enzyme 1; minus strand). Cytogenetic location: 3p12.2.
Variant type: single nucleotide variant.
Coding change: c.648T>A on transcript NM_000158.4 (MANE Select); coding-DNA position 648, T replaced by A.
Protein change: p.Tyr216Ter; replaces tyrosine 216 with a stop codon.
Molecular consequence: nonsense.
Genome position (GRCh38, 1-based): chr3:81,648,899, A>T on the plus strand (T>A on the coding strand, the complement: GBE1 is on the minus strand). VCF-style: chr3-81648899-A-T. GRCh37 (hg19) VCF-style: chr3-81698050-A-T.
Other names: short protein forms Y216*.
Identifiers: ClinVar variation 2941748 (VCV002941748.3), dbSNP rs1295929595, ClinGen allele CA353688307.